The following is an entry in ClinVar:

ClinVar aggregate classification (germline): Benign. Review status: criteria provided, multiple submitters, no conflicts (2 of 4 stars). 7 submissions from 7 submitters: Benign (6). 1 of the submissions does not count toward it. Last evaluated 2026-02-04.

Conditions:
Glycogen storage disease, type VI (GSD6). Also called: Glycogen storage disease type 6; Hepatic glycogen phosphorylase deficiency; HERS DISEASE; PHOSPHORYLASE DEFICIENCY GLYCOGEN-STORAGE DISEASE OF LIVER; Glycogen storage disease type 6, due to phosphorylation; GSD VI. Identifiers: Orphanet 369, MedGen C0017925, MONDO:0009294, OMIM 232700.

Allele frequency attached by ClinVar (database versions not stated): ESP Exome Variant Server 0.13817; gnomAD 0.16448 and 0.17260; TOPMed 0.18328; gnomAD exomes 0.19414 and 0.23907; ExAC 0.22529; 1000 Genomes Project 30x 0.22751; 1000 Genomes Project 0.23542.
gnomAD v4.1: 310,468 of 1,612,936 alleles (19%); highest among the groups gnomAD compares: East Asian, 43%; 34,590 homozygotes.

Submissions (7):

Labcorp Genetics (formerly Invitae), Labcorp
Classification: Benign for Glycogen storage disease, type VI. Last evaluated: 2026-02-04. Review status: criteria provided, single submitter. Criteria: Invitae Variant Classification Sherloc (09022015). Collection method: clinical testing. Allele origin: germline.

Genome-Nilou Lab
Classification: Benign for Glycogen storage disease, type VI. Last evaluated: 2021-11-07. Review status: criteria provided, single submitter. Criteria: ACMG Guidelines, 2015. Collection method: clinical testing. Allele origin: germline. Affected: no.

GeneDx
Classification: Benign. Last evaluated: 2021-05-04. Review status: criteria provided, single submitter. Criteria: GeneDx Variant Classification Process June 2021. Collection method: clinical testing. Allele origin: germline. Affected: yes.

Illumina Laboratory Services, Illumina
Classification: Benign for Glycogen storage disease, type VI. Last evaluated: 2018-01-13. Review status: criteria provided, single submitter. Criteria: ICSL Variant Classification Criteria 13 December 2019. Collection method: clinical testing. Allele origin: germline.
Comment: This variant was observed in the ICSL laboratory as part of a predisposition screen in an ostensibly healthy population. It had not been previously curated by ICSL or reported in the Human Gene Mutation Database (HGMD: prior to June 1st, 2018), and was therefore a candidate for classification through an automated scoring system. Utilizing variant allele frequency, disease prevalence and penetrance estimates, and inheritance mode, an automated score was calculated to assess if this variant is too frequent to cause the disease. Based on the score and internal cut-off values, a variant classified as benign is not then subjected to further curation. The score for this variant resulted in a classification of benign for this disease.

Breakthrough Genomics
Classification: Benign. Review status: criteria provided, single submitter. Criteria: ACMG Guidelines, 2015. Collection method: not provided. Allele origin: germline. Inheritance: Autosomal recessive inheritance. Affected: yes.

PreventionGenetics, part of Exact Sciences
Classification: Benign. Review status: criteria provided, single submitter. Criteria: ACMG Guidelines, 2015. Collection method: clinical testing. Allele origin: germline.

Mayo Clinic Laboratories, Mayo Clinic
Classification: Benign. Last evaluated: 2015-10-23. Review status: no assertion criteria provided. Collection method: clinical testing. Allele origin: unknown. Not counted in ClinVar's aggregate classification.

NM_002863.5(PYGL):c.1020C>T (p.Asp340=)

Gene: PYGL (glycogen phosphorylase L; minus strand). Cytogenetic location: 14q22.1.
Variant type: single nucleotide variant.
Coding change: c.1020C>T on transcript NM_002863.5 (MANE Select); coding-DNA position 1020, C replaced by T.
Protein change: p.Asp340=; no amino-acid change (aspartic acid 340 retained).
Molecular consequence: synonymous variant.
Genome position (GRCh38, 1-based): chr14:50,916,714, G>A on the plus strand (C>T on the coding strand, the complement: PYGL is on the minus strand). VCF-style: chr14-50916714-G-A. GRCh37 (hg19) VCF-style: chr14-51383432-G-A.
Other names: c.918C>T, p.Asp306= (NM_001163940.2).
Identifiers: ClinVar variation 258830 (VCV000258830.23), dbSNP rs2075643, ClinGen allele CA7183588.